The following is an entry in ClinVar:

ClinVar aggregate classification (germline): Conflicting classifications of pathogenicity. Review status: criteria provided, conflicting classifications (1 of 4 stars). 2 submissions from 2 submitters: Uncertain significance (1); Likely benign (1). Last evaluated 2025-09-26.

Allele frequency attached by ClinVar (database versions not stated): gnomAD exomes below 0.00001; TOPMed below 0.00001.
gnomAD v4.1: 1 of 1,614,188 alleles (0.000062%); highest among the groups gnomAD compares: Admixed American, 0.0017%; no homozygotes.

Submissions (2):

Labcorp Genetics (formerly Invitae), Labcorp
Classification: Likely benign. Last evaluated: 2025-09-26. Review status: criteria provided, single submitter. Criteria: Invitae Variant Classification Sherloc (09022015). Collection method: clinical testing. Allele origin: germline.

GeneDx
Classification: Uncertain significance. Last evaluated: 2022-04-27. Review status: criteria provided, single submitter. Criteria: GeneDx Variant Classification Process June 2021. Collection method: clinical testing. Allele origin: germline. Affected: yes.
Comment: Not observed at significant frequency in large population cohorts (gnomAD); In silico analysis supports that this missense variant has a deleterious effect on protein structure/function; Has not been previously published as pathogenic or benign to our knowledge

NM_138927.4(SON):c.5141A>G (p.Glu1714Gly)

Gene: SON (SON DNA and RNA binding protein; plus strand). Cytogenetic location: 21q22.11.
Variant type: single nucleotide variant.
Coding change: c.5141A>G on transcript NM_138927.4 (MANE Select); coding-DNA position 5141, A replaced by G.
Protein change: p.Glu1714Gly; replaces glutamic acid 1714 with glycine.
Molecular consequence: missense variant. On other transcripts: non-coding transcript variant (1), intron variant (1).
Genome position (GRCh38, 1-based): chr21:33,554,372, A>G. VCF-style: chr21-33554372-A-G. GRCh37 (hg19) VCF-style: chr21-34926678-A-G.
Other names: c.5141A>G, p.Glu1714Gly (NM_001291411.2, NM_001412133.1, NM_032195.3 and 2 more transcripts); c.245-2784A>G (NM_001291412.3); short protein forms E1714G.
Identifiers: ClinVar variation 1712528 (VCV001712528.4), dbSNP rs2085905732, ClinGen allele CA410164146.